The following is an entry in ClinVar:

NM_000814.6(GABRB3):c.241-7440A>G

Gene: GABRB3 (gamma-aminobutyric acid type A receptor subunit beta3; minus strand). Cytogenetic location: 15q12.
Variant type: single nucleotide variant.
Coding change: c.241-7440A>G on transcript NM_000814.6 (MANE Select); 7440 bases into the intron before coding-DNA position 241, A replaced by G.
Molecular consequence: intron variant.
Genome position (GRCh38, 1-based): chr15:26,628,974, T>C on the plus strand (A>G on the coding strand, the complement: GABRB3 is on the minus strand). VCF-style: chr15-26628974-T-C. GRCh37 (hg19) VCF-style: chr15-26874121-T-C.
Other names: c.241-7440A>G (NM_021912.5); c.-15-7440A>G (NM_001278631.2, NM_001191320.2); c.27+3A>G (NM_001191321.3).
Identifiers: ClinVar variation 1298605 (VCV001298605.35), dbSNP rs1012766353, ClinGen allele CA268162438.
Genomic context (GRCh38, chr15:26,628,974, plus strand): 5'-AGTCAGGTGCAAGAGCGCCTCCACTCCTTGTGACTGCCGAGAGCCCGCGTCCCCGACTTT[T>C]ACCTCTTCTGTCTGGTAGGTGGCCCACATGGGGACACGAGGGAGTCTCCCGGTATCCCGG-3'

ClinVar aggregate classification (germline): Likely benign (1 of 4 stars; one submission).

Allele frequency attached by ClinVar (database versions not stated): gnomAD exomes 0.00001.
gnomAD v4.1: 15 of 1,536,128 alleles (0.00098%); highest among the groups gnomAD compares: South Asian, 0.018%; no homozygotes.

Submission:

CeGaT Center for Human Genetics Tuebingen
Classification: Likely benign. Last evaluated: 2026-06-01. Review status: criteria provided, single submitter. Criteria: CeGaT Center For Human Genetics Tuebingen Variant Classification Criteria Version 2. Collection method: clinical testing. Allele origin: germline. Affected: yes. Observed: 1 variant allele.
Comment: GABRB3: BP4, BS2